The following is an entry in ClinVar:

NM_020937.4(FANCM):c.4477A>G (p.Arg1493Gly)

Gene: FANCM (FA complementation group M; plus strand). Cytogenetic location: 14q21.2.
Variant type: single nucleotide variant.
Coding change: c.4477A>G on transcript NM_020937.4 (MANE Select); coding-DNA position 4477, A replaced by G.
Protein change: p.Arg1493Gly; replaces arginine 1493 with glycine.
Molecular consequence: missense variant.
Genome position (GRCh38, 1-based): chr14:45,183,864, A>G. VCF-style: chr14-45183864-A-G. GRCh37 (hg19) VCF-style: chr14-45653067-A-G.
Other names: c.4399A>G, p.Arg1467Gly (NM_001308133.2); short protein forms R1467G, R1493G.
Identifiers: ClinVar variation 4885820 (VCV004885820.2).
Genomic context (GRCh38, chr14:45,183,864, plus strand): 5'-AATTTTCCCAAACCATGTTCACAATTAGAAGACTTCAAGGTTTGTAACGGGAATGCCAGA[A>G]GAGGCATCAAAGTCCCAAAGAGACAGAGTCACTTAAAGGTAATCTTTTTTTTAGTTTCTT-3'
Protein context (NP_065988.1, residues 1483-1503): DFKVCNGNAR[Arg1493Gly]GIKVPKRQSH

ClinVar aggregate classification (germline): Uncertain significance (1 of 4 stars; one submission).

gnomAD v4.1: 2 of 1,611,932 alleles (0.00012%); highest among the groups gnomAD compares: Admixed American, 0.0017%; no homozygotes.

Submission:

Dasa
Classification: Uncertain significance. Last evaluated: 2025-07-08. Review status: criteria provided, single submitter. Criteria: DASA Assertion Criteria. Collection method: clinical testing. Allele origin: germline.
Comment: NM_020937.4(FANCM):c.4477A>G (p.Arg1493Gly) is a missense variant that results in the substitution of arginine with glycine. This variant is rare in population databases. Computational prediction algorithms are consistent with a benign effect. The currently available literature and clinical evidence are not sufficient to establish a definitive association between this variant and the reported condition. Therefore, this variant is classified as a variant of uncertain significance.